The following is an entry in ClinVar:

NM_021930.6(RINT1):c.2248del (p.Val750fs)

Genes: EFCAB10 (EF-hand calcium binding domain 10; minus strand), RINT1 (RAD50 interactor 1; plus strand). Cytogenetic location: 7q22.3.
Variant type: Deletion.
Coding change: c.2248del on transcript NM_021930.6 (MANE Select); coding-DNA position 2248, one base deleted (G; older notation c.2248delG).
Protein change: p.Val750fs; shifts the reading frame from valine 750.
Molecular consequence: frameshift variant. On other transcripts: 3 prime UTR variant (2), non-coding transcript variant (1), intron variant (3).
Genome position (GRCh38, 1-based): chr7:105,567,180, G deleted. VCF-style (leftmost placement, unchanged base first): chr7-105567179-TG-T. GRCh37 (hg19) VCF-style: chr7-105207626-TG-T.
Other names: c.*274del (NM_001355527.2, NM_001355529.2); c.2014del, p.Val672fs (NM_001346599.2); c.1225del, p.Val409fs (NM_001346600.2, NM_001346603.2); c.1324del, p.Val442fs (NM_001346601.2); c.360-1733del (NM_001355531.2); c.383+287del (NM_001355526.2, NM_001355530.2); c.2248delG (NM_021930.4); short protein forms V672fs, V409fs, V442fs, V750fs.
Identifiers: ClinVar variation 959354 (VCV000959354.11), dbSNP rs758122010, ClinGen allele CA4426923.
Genomic context (GRCh38, chr7:105,567,179, plus strand): 5'-TATAAAAGAAGCCTGTATTGTTTTGAATTTGAACGTCGGTTCTGCACTACTGCTGAAAGA[TG>T]TACTGCAGTCAGCTTCAGGGCAGCTTCCTGCCACAGCAGCATTAAATGAAGTTGGAATTT-3'

ClinVar aggregate classification (germline): Uncertain significance. Review status: criteria provided, multiple submitters, no conflicts (2 of 4 stars). 2 submissions from 2 submitters: Uncertain significance (2). Last evaluated 2026-07-31.

Allele frequency attached by ClinVar (database versions not stated): gnomAD exomes 0.00001 and 0.00002; TOPMed below 0.00001; ExAC 0.00002.

Submissions (2):

Ambry Genetics
Classification: Uncertain significance. Last evaluated: 2026-07-31. Review status: criteria provided, single submitter. Criteria: Ambry Variant Classification Scheme 2023. Collection method: clinical testing. Allele origin: germline.
Comment: The c.2248delG variant, located in coding exon 15 of the RINT1 gene, results from a deletion of one nucleotide at nucleotide position 2248, causing a translational frameshift with a predicted alternate stop codon (p.V750Yfs*15). This variant occurs at the 3' terminus of the gene and is not expected to trigger nonsense-mediated mRNA decay. The evidence for this gene-disease relationship is limited; therefore, the clinical significance of this variant is unclear.

Labcorp Genetics (formerly Invitae), Labcorp
Classification: Uncertain significance. Last evaluated: 2019-09-10. Review status: criteria provided, single submitter. Criteria: Invitae Variant Classification Sherloc (09022015). Collection method: clinical testing. Allele origin: germline.
Comment: In summary, the available evidence is currently insufficient to determine the role of this variant in disease. Therefore, it has been classified as a Variant of Uncertain Significance. Experimental studies and prediction algorithms are not available or were not evaluated for this variant, and the functional significance of this variant is currently unknown. This variant has not been reported in the literature in individuals with RINT1-related conditions. This variant is present in population databases (rs758122010, ExAC 0.005%). This sequence change results in a premature translational stop signal in the RINT1 gene (p.Val750Tyrfs*15). While this is not anticipated to result in nonsense mediated decay, it is expected to disrupt the last 43 amino acids of the RINT1 protein.